The following is an entry in ClinVar:

NM_002528.7(NTHL1):c.256C>T (p.Gln86Ter)

Gene: NTHL1 (nth like DNA glycosylase 1; minus strand). Cytogenetic location: 16p13.3.
Variant type: single nucleotide variant.
Coding change: c.256C>T on transcript NM_002528.7 (MANE Select); coding-DNA position 256, C replaced by T.
Protein change: p.Gln86Ter; replaces glutamine 86 with a stop codon.
Molecular consequence: nonsense. On other transcripts: intron variant (1).
Genome position (GRCh38, 1-based): chr16:2,046,226, G>A on the plus strand (C>T on the coding strand, the complement: NTHL1 is on the minus strand). VCF-style: chr16-2046226-G-A. GRCh37 (hg19) VCF-style: chr16-2096227-G-A.
Other names: c.256C>T, p.Gln86Ter (NM_001318193.2); c.24+54C>T (NM_001318194.2); short protein forms Q86*.
Identifiers: ClinVar variation 1405525 (VCV001405525.10), dbSNP rs2084372140, ClinGen allele CA394297097.
Genomic context (GRCh38, chr16:2,046,226, plus strand): 5'-CCAGATGGTCCACAGGTGCATCCTTTTTGTTCCTCATGGCACGGATGTTGACCAGCTGTT[G>A]CTGCCAGTCCTGGGGCTCCCAGACTGGCACCTTGAGGGGCTCAGCCCCCTCACCTTTCTC-3'

ClinVar aggregate classification (germline): Pathogenic/Likely pathogenic. Review status: criteria provided, multiple submitters, no conflicts (2 of 4 stars). 4 submissions from 4 submitters: Pathogenic (3); Likely pathogenic (1). Last evaluated 2025-11-10.

Conditions:
Familial adenomatous polyposis 3. Also called: NTHL1-Related Adenomatous Polyposis and Colorectal Cancer; NTHL1-associated polyposis; NTHL1-related attenuated familial adenomatous polyposis; NTHL1 Tumor Syndrome. Identifiers: Orphanet 220460, Orphanet 454840, MedGen C4225157, MONDO:0014630, OMIM 616415.
Hereditary cancer-predisposing syndrome. Also called: Tumor predisposition; Neoplastic Syndromes, Hereditary; Hereditary Cancer Syndrome; Hereditary neoplastic syndrome. Identifiers: Orphanet 140162, MedGen C0027672, MeSH D009386, MONDO:0015356.

Allele frequency attached by ClinVar (database versions not stated): TOPMed below 0.00001; gnomAD 0.00001.

Submissions (4):

Labcorp Genetics (formerly Invitae), Labcorp
Classification: Pathogenic. Last evaluated: 2025-11-10. Review status: criteria provided, single submitter. Criteria: Invitae Variant Classification Sherloc (09022015). Collection method: clinical testing. Allele origin: germline.
Comment: This sequence change creates a premature translational stop signal (p.Gln94*) in the NTHL1 gene. It is expected to result in an absent or disrupted protein product. Loss-of-function variants in NTHL1 are known to be pathogenic (PMID: 25938944, 26559593). This variant is not present in population databases (gnomAD no frequency). This variant has not been reported in the literature in individuals affected with NTHL1-related conditions. ClinVar contains an entry for this variant (Variation ID: 1405525). For these reasons, this variant has been classified as Pathogenic.

Ambry Genetics
Classification: Pathogenic for Hereditary cancer-predisposing syndrome. Last evaluated: 2024-01-02. Review status: criteria provided, single submitter. Criteria: Ambry Variant Classification Scheme 2023. Collection method: clinical testing. Allele origin: germline.
Comment: The p.Q94* pathogenic mutation (also known as c.280C>T), located in coding exon 2 of the NTHL1 gene, results from a C to T substitution at nucleotide position 280. This changes the amino acid from a glutamine to a stop codon within coding exon 2. This variant is considered to be rare based on population cohorts in the Genome Aggregation Database (gnomAD). This alteration is expected to result in loss of function by premature protein truncation or nonsense-mediated mRNA decay. As such, this alteration is interpreted as a disease-causing mutation.

Myriad Genetics, Inc.
Classification: Pathogenic for Familial adenomatous polyposis 3. Last evaluated: 2023-09-01. Review status: criteria provided, single submitter. Criteria: Myriad Autosomal Dominant, Autosomal Recessive and X-Linked Classification Criteria (2023). Collection method: clinical testing. Allele origin: unknown.
Comment: This variant is considered pathogenic. This variant creates a termination codon and is predicted to result in premature protein truncation.

Baylor Genetics
Classification: Likely pathogenic for Familial adenomatous polyposis 3. Last evaluated: 2022-04-13. Review status: criteria provided, single submitter. Criteria: ACMG Guidelines, 2015. Collection method: clinical testing. Allele origin: unknown.

Literature cited by the submitters: PubMed 25938944 (cited by Labcorp Genetics (formerly Invitae), Labcorp); PubMed 26559593 (cited by Labcorp Genetics (formerly Invitae), Labcorp).